The following is an entry in ClinVar:

NM_004260.4(RECQL4):c.2564G>C (p.Cys855Ser)

Gene: RECQL4 (RecQ like helicase 4; minus strand). Cytogenetic location: 8q24.3.
Variant type: single nucleotide variant.
Coding change: c.2564G>C on transcript NM_004260.4 (MANE Select); coding-DNA position 2564, G replaced by C.
Protein change: p.Cys855Ser; replaces cysteine 855 with serine.
Molecular consequence: missense variant.
Genome position (GRCh38, 1-based): chr8:144,513,038, C>G on the plus strand (G>C on the coding strand, the complement: RECQL4 is on the minus strand). VCF-style: chr8-144513038-C-G. GRCh37 (hg19) VCF-style: chr8-145738421-C-G.
Other names: c.2270G>C, p.Cys757Ser (NM_001413017.1); c.2366G>C, p.Cys789Ser (NM_001413018.1); c.2564G>C, p.Cys855Ser (NM_001413019.1, NM_001413036.1); c.2468G>C, p.Cys823Ser (NM_001413020.1); c.1493G>C, p.Cys498Ser (NM_001413021.1, NM_001413022.1, NM_001413023.1 and 5 more transcripts); c.2435G>C, p.Cys812Ser (NM_001413025.1); c.1427G>C, p.Cys476Ser (NM_001413027.1, NM_001413030.1, NM_001413032.1 and 1 more transcripts); c.2213G>C, p.Cys738Ser (NM_001413029.1); and 6 more; short protein forms C366S, C432S, C454S, C476S, C488S, C498S, C738S, C757S.
Identifiers: ClinVar variation 2428482 (VCV002428482.6), dbSNP rs578038596, ClinGen allele CA187681706.

ClinVar aggregate classification (germline): Uncertain significance (1 of 4 stars; one submission).

Conditions:
Baller-Gerold syndrome (BGS). Also called: CRANIOSYNOSTOSIS WITH RADIAL DEFECTS. Identifiers: Orphanet 1225, MedGen C0265308, MONDO:0009039, OMIM 218600.

Allele frequency attached by ClinVar (database versions not stated): TOPMed below 0.00001.

Submission:

Labcorp Genetics (formerly Invitae), Labcorp
Classification: Uncertain significance for Baller-Gerold syndrome. Last evaluated: 2023-02-06. Review status: criteria provided, single submitter. Criteria: Invitae Variant Classification Sherloc (09022015). Collection method: clinical testing. Allele origin: germline.
Comment: In summary, the available evidence is currently insufficient to determine the role of this variant in disease. Therefore, it has been classified as a Variant of Uncertain Significance. Advanced modeling of protein sequence and biophysical properties (such as structural, functional, and spatial information, amino acid conservation, physicochemical variation, residue mobility, and thermodynamic stability) performed at Invitae indicates that this missense variant is expected to disrupt RECQL4 protein function. This variant has not been reported in the literature in individuals affected with RECQL4-related conditions. This variant is not present in population databases (gnomAD no frequency). This sequence change replaces cysteine, which is neutral and slightly polar, with serine, which is neutral and polar, at codon 855 of the RECQL4 protein (p.Cys855Ser).